The following is an entry in ClinVar:

NM_007294.4(BRCA1):c.308A>G (p.Asn103Ser)

Gene: BRCA1 (BRCA1 DNA repair associated; minus strand). Cytogenetic location: 17q21.31.
Variant type: single nucleotide variant.
Coding change: c.308A>G on transcript NM_007294.4 (MANE Select); coding-DNA position 308, A replaced by G.
Protein change: p.Asn103Ser; replaces asparagine 103 with serine.
Molecular consequence: missense variant. On other transcripts: 5 prime UTR variant (7), intron variant (2).
Genome position (GRCh38, 1-based): chr17:43,104,255, T>C on the plus strand (A>G on the coding strand, the complement: BRCA1 is on the minus strand). VCF-style: chr17-43104255-T-C. GRCh37 (hg19) VCF-style: chr17-41256272-T-C.
Other names: c.308A>G, p.Asn103Ser (NM_001407633.1, NM_001407634.1, NM_001407635.1 and 165 more transcripts); c.167A>G, p.Asn56Ser (NM_001407726.1, NM_001407727.1, NM_001407728.1 and 99 more transcripts); c.98A>G, p.Asn33Ser (NM_001407571.1, NM_001408478.1, NM_001408479.1 and 58 more transcripts); c.230A>G, p.Asn77Ser (NM_001407655.1, NM_001407656.1, NM_001407657.1 and 21 more transcripts); c.176A>G, p.Asn59Ser (NM_001408451.1); c.-74A>G (NM_001408510.1, NM_001408512.1, NM_001407959.1 and 4 more transcripts); c.-218-9395A>G (NM_001407967.1, NM_001407966.1); c.299A>G, p.Asn100Ser (NM_001408408.1, NM_001407646.1, NM_001407647.1); short protein forms N100S, N103S, N33S, N56S, N59S, N77S.
Identifiers: ClinVar variation 2680208 (VCV002680208.2), dbSNP rs2154550158, ClinGen allele CA10601535.
Genomic context (GRCh38, chr17:43,104,255, plus strand): 5'-GAAACTTCATCTTTTAGATGTTCAGGAGAGTTATTTTCCTTTTTTGCAAAATTATAGCTG[T>C]TTGCATCTGTAAAATACAAGGGAAAACATTATGTTTGCAGTTAGAGAAAAATGTATGAAT-3'
Protein context (NP_009225.1, residues 93-113): FQLDTGLEYA[Asn103Ser]SYNFAKKENN

ClinVar aggregate classification (germline): Uncertain significance. Review status: criteria provided, multiple submitters, no conflicts (2 of 4 stars). 2 submissions from 2 submitters: Uncertain significance (2). Last evaluated 2024-06-04.

Conditions:
Breast-ovarian cancer, familial, susceptibility to, 1 (BROVCA1). Also called: BRCA1 Hereditary Breast and Ovarian Cancer; OVARIAN CANCER, SUSCEPTIBILITY TO. Identifiers: Orphanet 145, MedGen C2676676, MONDO:0011450, OMIM 604370. Disease mechanism: loss of function.
Hereditary cancer-predisposing syndrome. Also called: Hereditary Cancer Syndrome; Hereditary neoplastic syndrome; Neoplastic Syndromes, Hereditary; Tumor predisposition. Identifiers: Orphanet 140162, MedGen C0027672, MeSH D009386, MONDO:0015356.

Submissions (2):

Ambry Genetics
Classification: Uncertain significance for Hereditary cancer-predisposing syndrome. Last evaluated: 2024-06-04. Review status: criteria provided, single submitter. Criteria: Ambry Variant Classification Scheme 2023. Collection method: clinical testing. Allele origin: germline.
Comment: The p.N103S variant (also known as c.308A>G), located in coding exon 5 of the BRCA1 gene, results from an A to G substitution at nucleotide position 308. The asparagine at codon 103 is replaced by serine, an amino acid with highly similar properties. This amino acid position is not well conserved in available vertebrate species. In addition, the in silico prediction for this alteration is inconclusive. Based on the available evidence, the clinical significance of this variant remains unclear.

Baylor Genetics
Classification: Uncertain significance for Breast-ovarian cancer, familial, susceptibility to, 1. Last evaluated: 2023-10-04. Review status: criteria provided, single submitter. Criteria: ACMG Guidelines, 2015. Collection method: clinical testing. Allele origin: unknown.